The following is an entry in ClinVar:

NM_003282.4(TNNI2):c.61G>A (p.Val21Met)

Gene: TNNI2 (troponin I2, fast skeletal type; plus strand). Cytogenetic location: 11p15.5.
Variant type: single nucleotide variant.
Coding change: c.61G>A on transcript NM_003282.4 (MANE Select); coding-DNA position 61, G replaced by A.
Protein change: p.Val21Met; replaces valine 21 with methionine.
Molecular consequence: missense variant.
Genome position (GRCh38, 1-based): chr11:1,840,531, G>A. VCF-style: chr11-1840531-G-A. GRCh37 (hg19) VCF-style: chr11-1861761-G-A.
Other names: c.61G>A, p.Val21Met (NM_001145829.2, NM_001145841.2); short protein forms V21M.
Identifiers: ClinVar variation 303935 (VCV000303935.53), dbSNP rs200110633, ClinGen allele CA5815095.

ClinVar aggregate classification (germline): Conflicting classifications of pathogenicity. Review status: criteria provided, conflicting classifications (1 of 4 stars). 4 submissions from 4 submitters: Uncertain significance (2); Likely benign (1). 1 of the submissions does not count toward it. Last evaluated 2025-03-12.

Conditions:
Inborn genetic diseases. Identifiers: MedGen C0950123, MeSH D030342.

Allele frequency attached by ClinVar (database versions not stated): ExAC 0.00024; gnomAD 0.00017 and 0.00019; TOPMed 0.00019; gnomAD exomes 0.00022.
gnomAD v4.1: 308 of 1,612,068 alleles (0.019%); highest among the groups gnomAD compares: Non-Finnish European, 0.024%; 1 homozygote.

Submissions (4):

GeneDx
Classification: Likely benign. Last evaluated: 2025-03-12. Review status: criteria provided, single submitter. Criteria: GeneDx Variant Classification Process June 2021. Collection method: clinical testing. Allele origin: germline. Affected: yes.
Comment: See Variant Classification Assertion Criteria.

Ambry Genetics
Classification: Uncertain significance for Inborn genetic diseases. Last evaluated: 2021-08-13. Review status: criteria provided, single submitter. Criteria: Ambry Variant Classification Scheme 2023. Collection method: clinical testing. Allele origin: germline.

CeGaT Center for Human Genetics Tuebingen
Classification: Uncertain significance. Last evaluated: 2017-01-01. Review status: criteria provided, single submitter. Criteria: CeGaT Center For Human Genetics Tuebingen Variant Classification Criteria Version 2. Collection method: clinical testing. Allele origin: germline. Affected: yes. Observed: 1 variant allele.

Department of Pathology and Laboratory Medicine, Sinai Health System
Classification: Likely benign. Review status: no assertion criteria provided. Collection method: clinical testing. Allele origin: unknown. Affected: yes. Study: The Canadian Open Genetics Repository (COGR). Not counted in ClinVar's aggregate classification.
Comment: The TNNI2 p.Val21Met variant was not identified in the literature nor was it identified in Cosmic or LOVD 3.0. The variant was identified in dbSNP (ID: rs200110633) and in ClinVar (classified as a VUS by Illumina for Arthrogryposis Multiplex Congenita and Distal Arthrogryposis Multiplex Congenita, and as likely benign by GeneDx). The variant was also identified in control databases in 62 of 276310 chromosomes at a frequency of 0.000224 (Genome Aggregation Database Feb 27, 2017). The variant was observed in the following populations: Ashkenazi Jewish in 5 of 10172 chromosomes (freq: 0.000492), European (non-Finnish) in 53 of 125294 chromosomes (freq: 0.000423), Other in 2 of 7066 chromosomes (freq: 0.000283), European (Finnish) in 1 of 24506 chromosomes (freq: 0.000041) and South Asian in 1 of 30528 chromosomes (freq: 0.000033); it was not observed in the African, Latino or East Asian populations. The p.Val21 residue is conserved in mammals but not in more distantly related organisms however four out of five computational analyses (PolyPhen-2, SIFT, AlignGVGD, BLOSUM, MutationTaster) do not suggest a high likelihood of impact to the protein; this information is not predictive enough to rule out pathogenicity. The variant occurs outside of the splicing consensus sequence and only two of four in silico or computational prediction software programs (SpliceSiteFinder, MaxEntScan, NNSPLICE, GeneSplicer) predict a greater than 10% difference in splicing; this is not very predictive of pathogenicity. In summary, based on the above information the clinical significance of this variant cannot be determined with certainty at this time although we would lean towards a more benign role for this variant. This variant is classified as likely benign.